The following is an entry in ClinVar:

NM_001371623.1(TCOF1):c.2689A>T (p.Arg897Ter)

Gene: TCOF1 (treacle ribosome biogenesis factor 1; plus strand). Cytogenetic location: 5q32.
Variant type: single nucleotide variant.
Coding change: c.2689A>T on transcript NM_001371623.1 (MANE Select); coding-DNA position 2689, A replaced by T.
Protein change: p.Arg897Ter; replaces arginine 897 with a stop codon.
Molecular consequence: nonsense.
Genome position (GRCh38, 1-based): chr5:150,379,562, A>T. VCF-style: chr5-150379562-A-T. GRCh37 (hg19) VCF-style: chr5-149759125-A-T.
Other names: c.2458A>T, p.Arg820Ter (NM_000356.4, NM_001135245.2); c.2689A>T, p.Arg897Ter (NM_001008657.3, NM_001135243.2, NM_001135244.2 and 1 more transcripts); short protein forms R820*, R897*.
Identifiers: ClinVar variation 2844988 (VCV002844988.3), dbSNP rs2533691917, ClinGen allele CA361759112.

ClinVar aggregate classification (germline): Pathogenic (1 of 4 stars; one submission).

Conditions:
Treacher Collins syndrome 1 (TCS1). Also called: TCOF1-Related Treacher Collins Syndrome. Identifiers: Orphanet 861, MedGen CN315775, MONDO:0007944, OMIM 154500.

Submission:

Labcorp Genetics (formerly Invitae), Labcorp
Classification: Pathogenic for Treacher Collins syndrome 1. Last evaluated: 2023-03-11. Review status: criteria provided, single submitter. Criteria: Invitae Variant Classification Sherloc (09022015). Collection method: clinical testing. Allele origin: germline.
Comment: This sequence change creates a premature translational stop signal (p.Arg897*) in the TCOF1 gene. It is expected to result in an absent or disrupted protein product. Loss-of-function variants in TCOF1 are known to be pathogenic (PMID: 8894686, 22317976). This variant is not present in population databases (gnomAD no frequency). This variant has not been reported in the literature in individuals affected with TCOF1-related conditions. For these reasons, this variant has been classified as Pathogenic.

Literature cited by the submitters: PubMed 8894686; PubMed 22317976.